The following is an entry in ClinVar:

NM_198525.3(KIF7):c.3870C>G (p.Pro1290=)

Gene: KIF7 (kinesin family member 7; minus strand). Cytogenetic location: 15q26.1.
Variant type: single nucleotide variant.
Coding change: c.3870C>G on transcript NM_198525.3 (MANE Select); coding-DNA position 3870, C replaced by G.
Protein change: p.Pro1290=; no amino-acid change (proline 1290 retained).
Molecular consequence: synonymous variant.
Genome position (GRCh38, 1-based): chr15:89,628,581, G>C on the plus strand (C>G on the coding strand, the complement: KIF7 is on the minus strand). VCF-style: chr15-89628581-G-C. GRCh37 (hg19) VCF-style: chr15-90171812-G-C.
Identifiers: ClinVar variation 516137 (VCV000516137.23), dbSNP rs761421026, ClinGen allele CA7727497.

ClinVar aggregate classification (germline): Likely benign. Review status: criteria provided, multiple submitters, no conflicts (2 of 4 stars). 4 submissions from 4 submitters: Likely benign (4). Last evaluated 2025-12-01.

Conditions:
Acrocallosal syndrome (ACLS). Also called: Schinzel syndrome 1; Absence of corpus callosum with unusual facial appearance, mental deficiency, duplication of the halluces and polydactyly; HALLUX DUPLICATION, POSTAXIAL POLYDACTYLY, AND ABSENCE OF CORPUS CALLOSUM. Identifiers: Orphanet 36, MedGen C0796147, MONDO:0008708, OMIM 200990.

Allele frequency attached by ClinVar (database versions not stated): TOPMed 0.00010.
gnomAD v4.1: 73 of 1,613,358 alleles (0.0045%); highest among the groups gnomAD compares: East Asian, 0.14%; no homozygotes.

Submissions (4):

Labcorp Genetics (formerly Invitae), Labcorp
Classification: Likely benign for Acrocallosal syndrome. Last evaluated: 2025-12-01. Review status: criteria provided, single submitter. Criteria: Invitae Variant Classification Sherloc (09022015). Collection method: clinical testing. Allele origin: germline.

CeGaT Center for Human Genetics Tuebingen
Classification: Likely benign. Last evaluated: 2024-09-01. Review status: criteria provided, single submitter. Criteria: CeGaT Center For Human Genetics Tuebingen Variant Classification Criteria Version 2. Collection method: clinical testing. Allele origin: germline. Affected: yes. Observed: 1 variant allele.
Comment: KIF7: BP4, BP7

Blueprint Genetics
Classification: Likely benign. Last evaluated: 2022-09-21. Review status: criteria provided, single submitter. Criteria: ACMG Guidelines, 2015. Collection method: clinical testing. Allele origin: germline.

GeneDx
Classification: Likely benign. Last evaluated: 2017-08-25. Review status: criteria provided, single submitter. Criteria: GeneDx Variant Classification (06012015). Collection method: clinical testing. Allele origin: germline. Affected: yes.
Comment: This variant is considered likely benign or benign based on one or more of the following criteria: it is a conservative change, it occurs at a poorly conserved position in the protein, it is predicted to be benign by multiple in silico algorithms, and/or has population frequency not consistent with disease.